The following is an entry in ClinVar:

ClinVar aggregate classification (germline): Benign. Review status: criteria provided, multiple submitters, no conflicts (2 of 4 stars). 13 submissions from 13 submitters: Benign (9). 4 of the submissions do not count toward it. Last evaluated 2026-02-04.

Conditions:
Maple syrup urine disease type 1A (MSUD1A). Also called: MSUD type 1A. Identifiers: MedGen C1855369, MONDO:0023691, OMIM 248600.
Maple syrup urine disease (MSUD). Identifiers: Orphanet 511, MedGen C0024776, MeSH D008375, MONDO:0009563. Disease mechanism: loss of function.

Allele frequency attached by ClinVar (database versions not stated): gnomAD exomes 0.59241 and 0.60636; ExAC 0.59997; 1000 Genomes Project 0.61701; 1000 Genomes Project 30x 0.62180; TOPMed 0.65759; gnomAD 0.65776 and 0.66668; ESP Exome Variant Server 0.67700.
gnomAD v4.1: 986,848 of 1,613,672 alleles (61%); highest among the groups gnomAD compares: African/African-American, 83%; 305,356 homozygotes.

Submissions (13):

Labcorp Genetics (formerly Invitae), Labcorp
Classification: Benign for Maple syrup urine disease. Last evaluated: 2026-02-04. Review status: criteria provided, single submitter. Criteria: Invitae Variant Classification Sherloc (09022015). Collection method: clinical testing. Allele origin: germline.

Blueprint Genetics
Classification: Benign. Last evaluated: 2024-11-28. Review status: criteria provided, single submitter. Criteria: ACMG Guidelines, 2015. Collection method: clinical testing. Allele origin: germline.

Mayo Clinic Laboratories, Mayo Clinic
Classification: Benign. Last evaluated: 2021-10-03. Review status: criteria provided, single submitter. Criteria: ACMG Guidelines, 2015. Collection method: clinical testing. Allele origin: germline. Observed: 20 variant alleles.

Genome-Nilou Lab
Classification: Benign for Maple syrup urine disease type 1A. Last evaluated: 2021-06-10. Review status: criteria provided, single submitter. Criteria: ACMG Guidelines, 2015. Collection method: clinical testing. Allele origin: germline. Affected: no.

Illumina Laboratory Services, Illumina
Classification: Benign for Maple syrup urine disease type 1A. Last evaluated: 2018-01-13. Review status: criteria provided, single submitter. Criteria: ICSL Variant Classification Criteria 13 December 2019. Collection method: clinical testing. Allele origin: germline.
Comment: This variant was observed in the ICSL laboratory as part of a predisposition screen in an ostensibly healthy population. It had not been previously curated by ICSL or reported in the Human Gene Mutation Database (HGMD: prior to June 1st, 2018), and was therefore a candidate for classification through an automated scoring system. Utilizing variant allele frequency, disease prevalence and penetrance estimates, and inheritance mode, an automated score was calculated to assess if this variant is too frequent to cause the disease. Based on the score and internal cut-off values, a variant classified as benign is not then subjected to further curation. The score for this variant resulted in a classification of benign for this disease.

GeneDx
Classification: Benign. Last evaluated: 2015-03-03. Review status: criteria provided, single submitter. Criteria: GeneDx Variant Classification Process June 2021. Collection method: clinical testing. Allele origin: germline. Affected: yes.

Eurofins Ntd Llc (ga)
Classification: Benign. Last evaluated: 2014-02-17. Review status: criteria provided, single submitter. Criteria: EGL Classification Definitions 2015. Collection method: clinical testing. Allele origin: germline. Observed: 176 variant alleles, 74 heterozygotes, 102 homozygotes.

Breakthrough Genomics
Classification: Benign. Review status: criteria provided, single submitter. Criteria: ACMG Guidelines, 2015. Collection method: not provided. Allele origin: germline. Inheritance: Autosomal recessive inheritance. Affected: yes.

PreventionGenetics, part of Exact Sciences
Classification: Benign. Review status: criteria provided, single submitter. Criteria: ACMG Guidelines, 2015. Collection method: clinical testing. Allele origin: germline.

Natera, Inc.
Classification: Benign for Maple syrup urine disease type 1A. Last evaluated: 2019-11-18. Review status: no assertion criteria provided. Collection method: clinical testing. Allele origin: germline. Not counted in ClinVar's aggregate classification.

Clinical Genetics, Academic Medical Center
Classification: Benign. Review status: no assertion criteria provided. Collection method: clinical testing. Allele origin: germline. Affected: yes. Study: VKGL Data-share Consensus. Not counted in ClinVar's aggregate classification.

Diagnostic Laboratory, Department of Genetics, University Medical Center Groningen
Classification: Benign for Maple syrup urine disease type 1A. Review status: no assertion criteria provided. Collection method: clinical testing. Allele origin: germline. Affected: yes. Study: VKGL Data-share Consensus. Not counted in ClinVar's aggregate classification.

Genetic Services Laboratory, University of Chicago
Classification: Likely benign for AllHighlyPenetrant. Review status: no assertion criteria provided. Collection method: clinical testing. Allele origin: germline. Inheritance: Autosomal recessive inheritance. Not counted in ClinVar's aggregate classification.
Comment: Likely benign based on allele frequency in 1000 Genomes Project or ESP global frequency and its presence in a patient with a rare or unrelated disease phenotype. NOT Sanger confirmed.

NM_000709.4(BCKDHA):c.1221A>G (p.Leu407=)

Gene: BCKDHA (branched chain keto acid dehydrogenase E1 subunit alpha; plus strand). Cytogenetic location: 19q13.2.
Variant type: single nucleotide variant.
Coding change: c.1221A>G on transcript NM_000709.4 (MANE Select); coding-DNA position 1221, A replaced by G.
Protein change: p.Leu407=; no amino-acid change (leucine 407 retained).
Molecular consequence: synonymous variant.
Genome position (GRCh38, 1-based): chr19:41,424,491, A>G. VCF-style: chr19-41424491-A-G. GRCh37 (hg19) VCF-style: chr19-41930396-A-G.
Other names: p.Leu407=; c.1218A>G, p.Leu406= (NM_001164783.2).
Identifiers: ClinVar variation 93343 (VCV000093343.30), dbSNP rs4674, ClinGen allele CA146869.